The following is an entry in ClinVar:

ClinVar aggregate classification (germline): Likely benign. Review status: criteria provided, multiple submitters, no conflicts (2 of 4 stars). 6 submissions from 6 submitters: Likely benign (5). 1 of the submissions does not count toward it. Last evaluated 2026-01-28.

Conditions:
CUL7-related disorder. Also called: CUL7-related condition.

Allele frequency attached by ClinVar (database versions not stated): gnomAD exomes 0.00016 and 0.00040; ExAC 0.00034; TOPMed 0.00063; gnomAD 0.00064 and 0.00065; 1000 Genomes Project 0.00080; ESP Exome Variant Server 0.00085; 1000 Genomes Project 30x 0.00094.
gnomAD v4.1: 330 of 1,613,830 alleles (0.02%); highest among the groups gnomAD compares: African/African-American, 0.19%; no homozygotes.

Submissions (6):

Labcorp Genetics (formerly Invitae), Labcorp
Classification: Likely benign. Last evaluated: 2026-01-28. Review status: criteria provided, single submitter. Criteria: Invitae Variant Classification Sherloc (09022015). Collection method: clinical testing. Allele origin: germline.

CeGaT Center for Human Genetics Tuebingen
Classification: Likely benign. Last evaluated: 2026-01-01. Review status: criteria provided, single submitter. Criteria: CeGaT Center For Human Genetics Tuebingen Variant Classification Criteria Version 2. Collection method: clinical testing. Allele origin: germline. Affected: yes. Observed: 2 variant alleles.
Comment: CUL7: BP4, BP7

Women's Health and Genetics/Laboratory Corporation of America, LabCorp
Classification: Likely benign. Last evaluated: 2025-10-07. Review status: criteria provided, single submitter. Criteria: LabCorp Variant Classification Summary - May 2015. Collection method: clinical testing. Allele origin: germline.

Blueprint Genetics
Classification: Likely benign. Last evaluated: 2024-11-22. Review status: criteria provided, single submitter. Criteria: ACMG Guidelines, 2015. Collection method: clinical testing. Allele origin: germline.

Breakthrough Genomics
Classification: Likely benign. Review status: criteria provided, single submitter. Criteria: ACMG Guidelines, 2015. Collection method: not provided. Allele origin: germline. Inheritance: Autosomal recessive inheritance. Affected: yes.

PreventionGenetics, part of Exact Sciences
Classification: Likely benign for CUL7-related condition. Last evaluated: 2019-08-08. Review status: no assertion criteria provided. Collection method: clinical testing. Allele origin: germline. Not counted in ClinVar's aggregate classification.
Comment: This variant is classified as likely benign based on ACMG/AMP sequence variant interpretation guidelines (Richards et al. 2015 PMID: 25741868, with internal and published modifications).

NM_014780.5(CUL7):c.4104G>A (p.Ala1368=)

Gene: CUL7 (cullin 7; minus strand). Cytogenetic location: 6p21.1.
Variant type: single nucleotide variant.
Coding change: c.4104G>A on transcript NM_014780.5 (MANE Select); coding-DNA position 4104, G replaced by A.
Protein change: p.Ala1368=; no amino-acid change (alanine 1368 retained).
Molecular consequence: synonymous variant.
Genome position (GRCh38, 1-based): chr6:43,040,346, C>T on the plus strand (G>A on the coding strand, the complement: CUL7 is on the minus strand). VCF-style: chr6-43040346-C-T. GRCh37 (hg19) VCF-style: chr6-43008084-C-T.
Other names: c.4200G>A, p.Ala1400= (NM_001168370.2, NM_001374872.1); c.4104G>A, p.Ala1368= (NM_001374873.1); c.4101G>A, p.Ala1367= (NM_001374874.1).
Identifiers: ClinVar variation 727945 (VCV000727945.22), dbSNP rs143333013, ClinGen allele CA3813295.